The following is an entry in ClinVar:

NM_020975.6(RET):c.877G>C (p.Val293Leu)

Gene: RET (ret proto-oncogene; plus strand). Cytogenetic location: 10q11.21.
Variant type: single nucleotide variant.
Coding change: c.877G>C on transcript NM_020975.6 (MANE Select); coding-DNA position 877, G replaced by C.
Protein change: p.Val293Leu; replaces valine 293 with leucine.
Molecular consequence: missense variant. On other transcripts: intron variant (25).
Genome position (GRCh38, 1-based): chr10:43,106,385, G>C. VCF-style: chr10-43106385-G-C. GRCh37 (hg19) VCF-style: chr10-43601833-G-C.
Other names: c.115G>C, p.Val39Leu (NM_001355216.2); c.589G>C, p.Val197Leu (NM_001406767.1, NM_001406770.1, NM_001406766.1); c.748G>C, p.Val250Leu (NM_001406768.1, NM_001406761.1, NM_001406762.1 and 1 more transcripts); c.338-2646G>C (NM_001406775.1, NM_001406776.1, NM_001406777.1 and 1 more transcripts); c.337+5663G>C (NM_001406790.1, NM_001406788.1, NM_001406789.1 and 1 more transcripts); c.74-2646G>C (NM_001406784.1); c.74-5714G>C (NM_001406794.1, NM_001406792.1, NM_001406793.1); c.867+1192G>C (NM_001406772.1, NM_001406769.1); and 5 more; short protein forms V197L, V250L, V293L, V39L.
Identifiers: ClinVar variation 4758389 (VCV004758389.1).

ClinVar aggregate classification (germline): Uncertain significance (1 of 4 stars; one submission).

Conditions:
Multiple endocrine neoplasia, type 2 (MEN2). Identifiers: Orphanet 653, MedGen C4048306, MONDO:0019003. Disease mechanism: gain of function.

Submission:

Color Diagnostics, LLC DBA Color Health
Classification: Uncertain significance for Multiple endocrine neoplasia, type 2. Last evaluated: 2025-08-22. Review status: criteria provided, single submitter. Criteria: ACMG Guidelines, 2015. Collection method: clinical testing. Allele origin: germline.
Comment: This missense variant replaces valine with leucine at codon 293 of the RET protein. Computational prediction suggests that this variant may not impact protein structure and function. To our knowledge, functional studies have not been reported for this variant. This variant has not been reported in individuals affected with RET-related disorders in the literature. This variant has not been identified in the general population by the Genome Aggregation Database (gnomAD). The available evidence is insufficient to determine the role of this variant in disease conclusively. Therefore, this variant is classified as a Variant of Uncertain Significance.